The following is an entry in ClinVar:

NM_006648.4(WNK2):c.4955G>C (p.Ser1652Thr)

Gene: WNK2 (WNK lysine deficient protein kinase 2; plus strand). Cytogenetic location: 9q22.31.
Variant type: single nucleotide variant.
Coding change: c.4955G>C on transcript NM_006648.4 (MANE Select); coding-DNA position 4955, G replaced by C.
Protein change: p.Ser1652Thr; replaces serine 1652 with threonine.
Molecular consequence: missense variant.
Genome position (GRCh38, 1-based): chr9:93,292,326, G>C. VCF-style: chr9-93292326-G-C. GRCh37 (hg19) VCF-style: chr9-96054608-G-C.
Other names: c.5066G>C, p.Ser1689Thr (NM_001282394.3); short protein forms S1652T, S1689T.
Identifiers: ClinVar variation 4844924 (VCV004844924.1).
Genomic context (GRCh38, chr9:93,292,326, plus strand): 5'-CCTCCTCCTTCAGCCCCAGTAACGTTTCTGATGTTCCCATAGCAGAGTCGTCTCCCAGGA[G>C]TATGCTAGGCTATGACAGAGATGGAAGGCAGGTGGCCTCAGACTCCCATGTGGTCCCCAG-3'
Protein context (NP_006639.3, residues 1642-1662): SSMTAESSPR[Ser1652Thr]MLGYDRDGRQ

ClinVar aggregate classification (germline): Uncertain significance (1 of 4 stars; one submission).

Submission:

Ambry Genetics
Classification: Uncertain significance. Last evaluated: 2026-02-22. Review status: criteria provided, single submitter. Criteria: Ambry Variant Classification Scheme 2023. Collection method: clinical testing. Allele origin: germline.
Comment: The p.S1652T variant (also known as c.4955G>C), located in coding exon 21 of the WNK2 gene, results from a G to C substitution at nucleotide position 4955. The serine at codon 1652 is replaced by threonine, an amino acid with similar properties. This amino acid position is conserved. In addition, this alteration is predicted to be tolerated by in silico analysis. Based on the available evidence, the clinical significance of this variant remains unclear.